The following is an entry in ClinVar:

ClinVar aggregate classification (germline): Pathogenic (1 of 4 stars; one submission).

Conditions:
Primary immunodeficiency with post-measles-mumps-rubella vaccine viral infection. Also called: Immunodeficiency 44. Identifiers: Orphanet 431166, MedGen C4225260, MONDO:0014715, OMIM 616636.

Submission:

Labcorp Genetics (formerly Invitae), Labcorp
Classification: Pathogenic for Primary immunodeficiency with post-measles-mumps-rubella vaccine viral infection. Last evaluated: 2025-10-18. Review status: criteria provided, single submitter. Criteria: Invitae Variant Classification Sherloc (09022015). Collection method: clinical testing. Allele origin: germline.
Comment: This sequence change creates a premature translational stop signal (p.Lys490Argfs*28) in the STAT2 gene. It is expected to result in an absent or disrupted protein product. Loss-of-function variants in STAT2 are known to be pathogenic (PMID: 23391734, 26122121). This variant is not present in population databases (gnomAD no frequency). This variant has not been reported in the literature in individuals affected with STAT2-related conditions. For these reasons, this variant has been classified as Pathogenic.

Literature cited by the submitters: PubMed 23391734; PubMed 26122121.

NM_005419.4(STAT2):c.1467del (p.Lys490fs)

Gene: STAT2 (signal transducer and activator of transcription 2; minus strand). Cytogenetic location: 12q13.3.
Variant type: Deletion.
Coding change: c.1467del on transcript NM_005419.4 (MANE Select); coding-DNA position 1467, one base deleted (C; older notation c.1467delC).
Protein change: p.Lys490fs; shifts the reading frame from lysine 490.
Molecular consequence: frameshift variant. On other transcripts: intron variant (1).
Genome position (GRCh38, 1-based): chr12:56,349,033, G deleted on the plus strand (C on the coding strand, the reverse complement: STAT2 is on the minus strand); the first of 7 consecutive G bases (chr12:56,349,033-56,349,039); deleting any one gives the same sequence. VCF-style (leftmost placement, unchanged base first): chr12-56349032-TG-T. GRCh37 (hg19) VCF-style: chr12-56742816-TG-T.
Other names: c.1434del, p.Lys479fs (NM_001385110.1); c.1368del, p.Lys457fs (NM_001385111.1); c.1467del, p.Lys490fs (NM_001385113.1); c.1446del, p.Lys483fs (NM_001385114.1); c.1455del, p.Lys486fs (NM_198332.2); c.1429-4del (NM_001385115.1); short protein forms K486fs, K457fs, K490fs, K479fs, K483fs.
Identifiers: ClinVar variation 4748275 (VCV004748275.1).